The following is an entry in ClinVar:

NM_004333.6(BRAF):c.1347T>C (p.Asp449=)

Gene: BRAF (B-Raf proto-oncogene, serine/threonine kinase; minus strand). Cytogenetic location: 7q34.
Variant type: single nucleotide variant.
Coding change: c.1347T>C on transcript NM_004333.6 (MANE Select); coding-DNA position 1347, T replaced by C.
Protein change: p.Asp449=; no amino-acid change (aspartic acid 449 retained).
Molecular consequence: synonymous variant.
Genome position (GRCh38, 1-based): chr7:140,781,661, A>G on the plus strand (T>C on the coding strand, the complement: BRAF is on the minus strand). VCF-style: chr7-140781661-A-G. GRCh37 (hg19) VCF-style: chr7-140481461-A-G.
Other names: c.1347T>C, p.Asp449= (NM_001354609.2, NM_001378468.1, NM_001378474.1); c.1467T>C, p.Asp489= (NM_001374244.1, NM_001374258.1); c.1356T>C, p.Asp452= (NM_001378467.1); c.1281T>C, p.Asp427= (NM_001378469.1); c.1245T>C, p.Asp415= (NM_001378470.1); c.1236T>C, p.Asp412= (NM_001378471.1); c.1191T>C, p.Asp397= (NM_001378472.1, NM_001378473.1); c.1083T>C, p.Asp361= (NM_001378475.1).
Identifiers: ClinVar variation 44800 (VCV000044800.24), dbSNP rs397516889, ClinGen allele CA135070.

ClinVar aggregate classification (germline): Likely benign. Review status: criteria provided, multiple submitters, no conflicts (2 of 4 stars). 5 submissions from 5 submitters: Likely benign (5). Last evaluated 2025-05-06.

Conditions:
Cardiovascular phenotype. Identifiers: MedGen CN230736.
RASopathy. Also called: rasopathies; Noonan spectrum disorder. Identifiers: Orphanet 536391, MedGen C5555857, MONDO:0021060.

Allele frequency attached by ClinVar (database versions not stated): gnomAD exomes below 0.00001; gnomAD 0.00001; TOPMed 0.00001.
gnomAD v4.1: 8 of 1,614,010 alleles (0.0005%); highest among the groups gnomAD compares: South Asian, 0.0011%; no homozygotes.

Submissions (5):

Ambry Genetics
Classification: Likely benign for Cardiovascular phenotype. Last evaluated: 2025-05-06. Review status: criteria provided, single submitter. Criteria: Ambry Variant Classification Scheme 2023. Collection method: clinical testing. Allele origin: germline.

CeGaT Center for Human Genetics Tuebingen
Classification: Likely benign. Last evaluated: 2024-12-01. Review status: criteria provided, single submitter. Criteria: CeGaT Center For Human Genetics Tuebingen Variant Classification Criteria Version 2. Collection method: clinical testing. Allele origin: germline. Affected: yes. Observed: 1 variant allele.
Comment: BRAF: BP4, BP7

Labcorp Genetics (formerly Invitae), Labcorp
Classification: Likely benign for RASopathy. Last evaluated: 2024-08-07. Review status: criteria provided, single submitter. Criteria: Invitae Variant Classification Sherloc (09022015). Collection method: clinical testing. Allele origin: germline.

Blueprint Genetics
Classification: Likely benign. Last evaluated: 2024-07-23. Review status: criteria provided, single submitter. Criteria: ACMG Guidelines, 2015. Collection method: clinical testing. Allele origin: germline.

Laboratory for Molecular Medicine, Mass General Brigham Personalized Medicine
Classification: Likely benign. Last evaluated: 2010-09-16. Review status: criteria provided, single submitter. Criteria: LMM Criteria. Collection method: clinical testing. Allele origin: germline. Observed: 1 variant allele.